The following is an entry in ClinVar:

ClinVar aggregate classification (germline): Likely benign. Review status: criteria provided, multiple submitters, no conflicts (2 of 4 stars). 9 submissions from 9 submitters: Likely benign (7). 2 of the submissions do not count toward it. Last evaluated 2026-09-01.

Allele frequency attached by ClinVar (database versions not stated): ExAC 0.00030; gnomAD 0.00019 and 0.00021; TOPMed 0.00020; gnomAD exomes 0.00022 and 0.00026; ESP Exome Variant Server 0.00023.
gnomAD v4.1: 352 of 1,611,478 alleles (0.022%); highest among the groups gnomAD compares: Non-Finnish European, 0.028%; no homozygotes.

Submissions (9):

CeGaT Center for Human Genetics Tuebingen
Classification: Likely benign. Last evaluated: 2026-09-01. Review status: criteria provided, single submitter. Criteria: CeGaT Center For Human Genetics Tuebingen Variant Classification Criteria Version 2. Collection method: clinical testing. Allele origin: germline. Affected: yes. Observed: 1 variant allele.
Comment: SBF1: BP4, BP7

Labcorp Genetics (formerly Invitae), Labcorp
Classification: Likely benign. Last evaluated: 2025-12-14. Review status: criteria provided, single submitter. Criteria: Invitae Variant Classification Sherloc (09022015). Collection method: clinical testing. Allele origin: germline.

Mayo Clinic Laboratories, Mayo Clinic
Classification: Likely benign. Last evaluated: 2025-09-30. Review status: criteria provided, single submitter. Criteria: ACMG Guidelines, 2015. Collection method: clinical testing. Allele origin: germline. Observed: 2 variant alleles.
Comment: BP4, BP7

Laboratory of Genetics, Children's Clinical University Hospital Latvia
Classification: Likely benign. Last evaluated: 2025-02-16. Review status: criteria provided, single submitter. Criteria: ACMG Guidelines, 2015. Collection method: clinical testing. Allele origin: germline. Affected: yes.

Blueprint Genetics
Classification: Likely benign. Last evaluated: 2024-11-19. Review status: criteria provided, single submitter. Criteria: ACMG Guidelines, 2015. Collection method: clinical testing. Allele origin: germline.

GeneDx
Classification: Likely benign. Last evaluated: 2021-02-03. Review status: criteria provided, single submitter. Criteria: GeneDx Variant Classification Process June 2021. Collection method: clinical testing. Allele origin: germline. Affected: yes.

Breakthrough Genomics
Classification: Likely benign. Review status: criteria provided, single submitter. Criteria: ACMG Guidelines, 2015. Collection method: not provided. Allele origin: germline. Inheritance: Autosomal recessive inheritance. Affected: yes.

Clinical Genetics, Academic Medical Center
Classification: Likely benign. Review status: no assertion criteria provided. Collection method: clinical testing. Allele origin: germline. Affected: yes. Study: VKGL Data-share Consensus. Not counted in ClinVar's aggregate classification.

Genome Diagnostics Laboratory, University Medical Center Utrecht
Classification: Likely benign. Review status: no assertion criteria provided. Collection method: clinical testing. Allele origin: germline. Affected: yes. Study: VKGL Data-share Consensus. Not counted in ClinVar's aggregate classification.

NM_002972.4(SBF1):c.3294G>A (p.Glu1098=)

Gene: SBF1 (SET binding factor 1; minus strand). Cytogenetic location: 22q13.33.
Variant type: single nucleotide variant.
Coding change: c.3294G>A on transcript NM_002972.4 (MANE Select); coding-DNA position 3294, G replaced by A.
Protein change: p.Glu1098=; no amino-acid change (glutamic acid 1098 retained).
Molecular consequence: synonymous variant.
Genome position (GRCh38, 1-based): chr22:50,460,149, C>T on the plus strand (G>A on the coding strand, the complement: SBF1 is on the minus strand). VCF-style: chr22-50460149-C-T. GRCh37 (hg19) VCF-style: chr22-50898578-C-T.
Other names: p.Glu1098=; c.3297G>A, p.Glu1099= (NM_001365819.1).
Identifiers: ClinVar variation 764925 (VCV000764925.16), dbSNP rs373108686, ClinGen allele CA10316766.